The following is an entry in ClinVar:

NM_005591.4(MRE11):c.120C>T (p.Leu40=)

Gene: MRE11 (MRE11 double strand break repair nuclease; minus strand). Cytogenetic location: 11q21.
Variant type: single nucleotide variant.
Coding change: c.120C>T on transcript NM_005591.4 (MANE Select); coding-DNA position 120, C replaced by T.
Protein change: p.Leu40=; no amino-acid change (leucine 40 retained).
Molecular consequence: synonymous variant.
Genome position (GRCh38, 1-based): chr11:94,490,866, G>A on the plus strand (C>T on the coding strand, the complement: MRE11 is on the minus strand). VCF-style: chr11-94490866-G-A. GRCh37 (hg19) VCF-style: chr11-94224032-G-A.
Other names: p.L40L:CTC>CTT; c.120C>T, p.Leu40= (NM_001330347.2, NM_005590.4).
Identifiers: ClinVar variation 182552 (VCV000182552.52), dbSNP rs1805364, ClinGen allele CA333744.

ClinVar aggregate classification (germline): Conflicting classifications of pathogenicity. Review status: criteria provided, conflicting classifications (1 of 4 stars). 14 submissions from 13 submitters: Uncertain significance (1); Benign (4); Likely benign (7). 2 of the submissions do not count toward it. Last evaluated 2026-08-01.

Conditions:
Ataxia-telangiectasia-like disorder (ATLD). Identifiers: MedGen C1858391, MONDO:0011457.
Hereditary cancer-predisposing syndrome. Also called: Hereditary neoplastic syndrome; Tumor predisposition; Neoplastic Syndromes, Hereditary; Hereditary Cancer Syndrome. Identifiers: Orphanet 140162, MedGen C0027672, MeSH D009386, MONDO:0015356.
Ataxia-telangiectasia-like disorder 1 (ATLD1). Identifiers: Orphanet 251347, MedGen C4012790, MONDO:0024557, OMIM 604391.

Allele frequency attached by ClinVar (database versions not stated): ExAC 0.00054; ESP Exome Variant Server 0.00054; gnomAD exomes 0.00054 and 0.00113; TOPMed 0.00056; gnomAD 0.00061 and 0.00066.
gnomAD v4.1: 1,718 of 1,613,288 alleles (0.11%); highest among the groups gnomAD compares: Non-Finnish European, 0.14%; 1 homozygote.

Submissions (14):

CeGaT Center for Human Genetics Tuebingen
Classification: Likely benign. Last evaluated: 2026-08-01. Review status: criteria provided, single submitter. Criteria: CeGaT Center For Human Genetics Tuebingen Variant Classification Criteria Version 2. Collection method: clinical testing. Allele origin: germline. Affected: yes. Observed: 15 variant alleles.
Comment: MRE11: BP4, BP7

Labcorp Genetics (formerly Invitae), Labcorp
Classification: Likely benign for Ataxia-telangiectasia-like disorder. Last evaluated: 2026-01-24. Review status: criteria provided, single submitter. Criteria: Invitae Variant Classification Sherloc (09022015). Collection method: clinical testing. Allele origin: germline.

Blueprint Genetics
Classification: Likely benign. Last evaluated: 2024-09-06. Review status: criteria provided, single submitter. Criteria: ACMG Guidelines, 2015. Collection method: clinical testing. Allele origin: germline.

Quest Diagnostics Nichols Institute San Juan Capistrano
Classification: Benign. Last evaluated: 2023-06-21. Review status: criteria provided, single submitter. Criteria: Quest Diagnostics criteria. Collection method: clinical testing. Allele origin: unknown.

Sema4
Classification: Likely benign for Hereditary cancer-predisposing syndrome. Last evaluated: 2021-04-13. Review status: criteria provided, single submitter. Criteria: Sema4 Curation Guidelines. Collection method: curation. Allele origin: germline.

Women's Health and Genetics/Laboratory Corporation of America, LabCorp
Classification: Benign. Last evaluated: 2018-12-21. Review status: criteria provided, single submitter. Criteria: LabCorp Variant Classification Summary - May 2015. Collection method: clinical testing. Allele origin: germline.
Comment: Variant summary: The variant MRE11A c.120C>T alters a non-conserved nucleotide resulting in a synonymous change. 5/5 computational tools predict no significant impact on normal splicing. However, these predictions have yet to be confirmed by functional studies. The variant allele was found at a frequency of 0.00055 in 277082 control chromosomes in the gnomAD database, including 1 homozygote. The observed variant frequency is approximately 9-folds higher than the estimated maximal expected allele frequency for a pathogenic variant in MRE11A causing Hereditary Breast and Ovarian Cancer phenotype (6.3e-05). However, it does need to be noted that there is a pseudogene present on chromosome 3. The variant c.120C>T has been reported in the literature in individuals affected with breast cancer (Damiola_2014, Young_2016). These reports however do not provide unequivocal conclusions about association of the variant with Hereditary Breast and Ovarian Cancer. To our knowledge, no experimental evidence demonstrating an impact on protein function has been reported. Four ClinVar submissions from clinical diagnostic laboratories (evaluation after 2014) cite the variant as likely benign. Based on the evidence outlined above, the variant was classified as benign.

Athena Diagnostics
Classification: Benign. Last evaluated: 2018-09-27. Review status: criteria provided, single submitter. Criteria: Athena Diagnostics Criteria. Collection method: clinical testing. Allele origin: germline.

Illumina Laboratory Services, Illumina
Classification: Uncertain significance for Ataxia-telangiectasia-like disorder 1. Last evaluated: 2018-01-13. Review status: criteria provided, single submitter. Criteria: ICSL Variant Classification Criteria 13 December 2019. Collection method: clinical testing. Allele origin: germline.

Clinical Genetics DNA and cytogenetics Diagnostics Lab, Erasmus MC, Erasmus Medical Center
Classification: Likely benign for Ataxia-telangiectasia-like disorder 1. Last evaluated: 2017-06-28. Review status: criteria provided, single submitter. Criteria: ACGS Guidelines, 2013. Collection method: clinical testing. Allele origin: germline. Affected: yes. Study: VKGL Data-share Consensus.

Genome Diagnostics Laboratory, University Medical Center Utrecht
Classification: Likely benign for Ataxia-telangiectasia-like disorder 1. Last evaluated: 2017-01-04. Review status: criteria provided, single submitter. Criteria: ACGS Guidelines, 2013. Collection method: clinical testing. Allele origin: germline. Affected: yes. Study: VKGL Data-share Consensus.

Ambry Genetics
Classification: Likely benign for Hereditary cancer-predisposing syndrome. Last evaluated: 2014-08-29. Review status: criteria provided, single submitter. Criteria: Ambry Variant Classification Scheme 2023. Collection method: clinical testing. Allele origin: germline.

GeneDx
Classification: Benign. Last evaluated: 2013-11-06. Review status: criteria provided, single submitter. Criteria: GeneDx Variant Classification (06012015). Collection method: clinical testing. Allele origin: germline. Affected: yes.
Comment: This variant is considered likely benign or benign based on one or more of the following criteria: it is a conservative change, it occurs at a poorly conserved position in the protein, it is predicted to be benign by multiple in silico algorithms, and/or has population frequency not consistent with disease.

Genome Diagnostics Laboratory, Amsterdam University Medical Center
Classification: Likely benign for Ataxia-telangiectasia-like disorder 1. Last evaluated: 2016-01-24. Review status: no assertion criteria provided. Criteria: ACGS Guidelines, 2013. Collection method: clinical testing. Allele origin: germline. Affected: yes. Study: VKGL Data-share Consensus. Not counted in ClinVar's aggregate classification.

Clinical Genetics DNA and cytogenetics Diagnostics Lab, Erasmus MC, Erasmus Medical Center
Classification: Likely benign. Review status: no assertion criteria provided. Collection method: clinical testing. Allele origin: germline. Affected: yes. Study: VKGL Data-share Consensus. Not counted in ClinVar's aggregate classification.

Literature cited by the submitters: PubMed 24894818 (cited by Quest Diagnostics Nichols Institute San Juan Capistrano and Women's Health and Genetics/Laboratory Corporation of America, LabCorp).